The following is an entry in ClinVar:

NM_001813.3(CENPE):c.3195A>G (p.Glu1065=)

Gene: CENPE (centromere protein E; minus strand). Cytogenetic location: 4q24.
Variant type: single nucleotide variant.
Coding change: c.3195A>G on transcript NM_001813.3 (MANE Select); coding-DNA position 3195, A replaced by G.
Protein change: p.Glu1065=; no amino-acid change (glutamic acid 1065 retained).
Molecular consequence: synonymous variant.
Genome position (GRCh38, 1-based): chr4:103,153,089, T>C on the plus strand (A>G on the coding strand, the complement: CENPE is on the minus strand). VCF-style: chr4-103153089-T-C. GRCh37 (hg19) VCF-style: chr4-104074246-T-C.
Other names: c.3120A>G, p.Glu1040= (NM_001286734.2).
Identifiers: ClinVar variation 718275 (VCV000718275.6), dbSNP rs191598316, ClinGen allele CA3030124.
Genomic context (GRCh38, chr4:103,153,089, plus strand): 5'-TACAGTGCTAAATCCTACCATTTCAATATTTTCCTTTAGGTCAGTCTTCAATTGTTCCTT[T>C]TCTGCTATAACACTCTCTAACATTTGTTGGAGTTCATTTTTCTCCTGTATTAAAGAAAAT-3'
Protein context (NP_001804.2, residues 1055-1075): LQQMLESVIA[Glu1065=]KEQLKTDLKE

ClinVar aggregate classification (germline): Likely benign. Review status: criteria provided, multiple submitters, no conflicts (2 of 4 stars). 3 submissions from 3 submitters: Likely benign (3). Last evaluated 2025-02-18.

Conditions:
CENPE-related disorder. Also called: CENPE-related condition.

Allele frequency attached by ClinVar (database versions not stated): ESP Exome Variant Server 0.00015; gnomAD 0.00024 and 0.00025; ExAC 0.00027; TOPMed 0.00028; gnomAD exomes 0.00035 and 0.00053; 1000 Genomes Project 0.00060; 1000 Genomes Project 30x 0.00094.
gnomAD v4.1: 807 of 1,613,108 alleles (0.05%); highest among the groups gnomAD compares: Non-Finnish European, 0.063%; no homozygotes.

Submissions (3):

PreventionGenetics, part of Exact Sciences
Classification: Likely benign for CENPE-related condition. Last evaluated: 2025-02-18. Review status: criteria provided, single submitter. Criteria: ACMG Guidelines, 2015. Collection method: clinical testing. Allele origin: germline.
Comment: This variant is classified as likely benign based on ACMG/AMP sequence variant interpretation guidelines (Richards et al. 2015 PMID: 25741868, with internal and published modifications).

Blueprint Genetics
Classification: Likely benign. Last evaluated: 2024-10-01. Review status: criteria provided, single submitter. Criteria: ACMG Guidelines, 2015. Collection method: clinical testing. Allele origin: germline.

Labcorp Genetics (formerly Invitae), Labcorp
Classification: Likely benign. Last evaluated: 2019-12-31. Review status: criteria provided, single submitter. Criteria: Invitae Variant Classification Sherloc (09022015). Collection method: clinical testing. Allele origin: germline.